The following is an entry in ClinVar:

ClinVar aggregate classification (germline): Pathogenic (1 of 4 stars; one submission).

Conditions:
Hereditary cancer-predisposing syndrome. Also called: Tumor predisposition; Neoplastic Syndromes, Hereditary; Hereditary Cancer Syndrome; Hereditary neoplastic syndrome. Identifiers: Orphanet 140162, MedGen C0027672, MeSH D009386, MONDO:0015356.

Submission:

Ambry Genetics
Classification: Pathogenic for Hereditary cancer-predisposing syndrome. Last evaluated: 2024-07-23. Review status: criteria provided, single submitter. Criteria: Ambry Variant Classification Scheme 2023. Collection method: clinical testing. Allele origin: germline.
Comment: The c.4803_4811delTAAAAACCTinsGACTCAA pathogenic mutation, located in coding exon 10 of the BRCA2 gene, results from the deletion of 9 nucleotides and insertion of 7 nucleotides causing a translational frameshift with a predicted alternate stop codon (p.D1601Efs*7). This variant is considered to be rare based on population cohorts in the Genome Aggregation Database (gnomAD). This alteration is expected to result in loss of function by premature protein truncation or nonsense-mediated mRNA decay. As such, this alteration is interpreted as a disease-causing mutation.

NM_000059.4(BRCA2):c.4803_4811delinsGACTCAA (p.Asp1601fs)

Gene: BRCA2 (BRCA2 DNA repair associated; plus strand). Cytogenetic location: 13q13.1.
Variant type: Indel.
Coding change: c.4803_4811delinsGACTCAA on transcript NM_000059.4 (MANE Select); coding-DNA positions 4803 to 4811, TAAAAACCT replaced by GACTCAA.
Protein change: p.Asp1601fs; shifts the reading frame from aspartic acid 1601.
Molecular consequence: frameshift variant. On other transcripts: non-coding transcript variant (1), intron variant (2).
Genome position (GRCh38, 1-based): chr13:32,339,158-32,339,166, TAAAAACCT replaced by GACTCAA. VCF-style: chr13-32339158-TAAAAACCT-GACTCAA. GRCh37 (hg19) VCF-style: chr13-32913295-TAAAAACCT-GACTCAA.
Other names: c.4803_4811delinsGACTCAA, p.Asp1601fs (NM_001406719.1, NM_001406720.1, NM_001432077.1); c.1910-5400_1910-5392delinsGACTCAA (NM_001406721.1); c.425-5400_425-5392delinsGACTCAA (NM_001406722.1); short protein forms D1601fs.
Identifiers: ClinVar variation 3482017 (VCV003482017.1).